The following is an entry in ClinVar:

ClinVar aggregate classification (germline): Uncertain significance. Review status: criteria provided, multiple submitters, no conflicts (2 of 4 stars). 2 submissions from 2 submitters: Uncertain significance (2). Last evaluated 2025-01-17.

Conditions:
Autoimmune lymphoproliferative syndrome type 2A (ALPS2A). Also called: Autoimmune lymphoproliferative syndrome type 2; CASP10-Related Autoimmune Lymphoproliferative Syndrome; AUTOIMMUNE LYMPHOPROLIFERATIVE SYNDROME, TYPE IIA. Identifiers: Orphanet 3261, MedGen C1858968, MONDO:0011383, OMIM 603909.
CASP10-related disorder. Also called: CASP10-related condition.

Allele frequency attached by ClinVar (database versions not stated): gnomAD 0.00001; gnomAD exomes 0.00001; TOPMed 0.00002.
gnomAD v4.1: 4 of 1,613,104 alleles (0.00025%); highest among the groups gnomAD compares: Admixed American, 0.0067%; no homozygotes.

Submissions (2):

Labcorp Genetics (formerly Invitae), Labcorp
Classification: Uncertain significance for Autoimmune lymphoproliferative syndrome type 2A. Last evaluated: 2025-01-17. Review status: criteria provided, single submitter. Criteria: Invitae Variant Classification Sherloc (09022015). Collection method: clinical testing. Allele origin: germline.
Comment: This sequence change replaces isoleucine, which is neutral and non-polar, with methionine, which is neutral and non-polar, at codon 86 of the CASP10 protein (p.Ile86Met). The frequency data for this variant in the population databases is considered unreliable, as metrics indicate poor data quality at this position in the gnomAD database. This variant has not been reported in the literature in individuals affected with CASP10-related conditions. ClinVar contains an entry for this variant (Variation ID: 1014752). Invitae Evidence Modeling of protein sequence and biophysical properties (such as structural, functional, and spatial information, amino acid conservation, physicochemical variation, residue mobility, and thermodynamic stability) indicates that this missense variant is not expected to disrupt CASP10 protein function with a negative predictive value of 80%. In summary, the available evidence is currently insufficient to determine the role of this variant in disease. Therefore, it has been classified as a Variant of Uncertain Significance.

PreventionGenetics, part of Exact Sciences
Classification: Uncertain significance for CASP10-related condition. Last evaluated: 2024-12-13. Review status: criteria provided, single submitter. Criteria: ACMG Guidelines, 2015. Collection method: clinical testing. Allele origin: germline.
Comment: The CASP10 c.258A>G variant is predicted to result in the amino acid substitution p.Ile86Met. To our knowledge, this variant has not been reported in the literature. This variant is reported in 0.0029% of alleles in individuals of Latino descent in gnomAD. At this time, the clinical significance of this variant is uncertain due to the absence of conclusive functional and genetic evidence.

NM_032977.4(CASP10):c.258A>G (p.Ile86Met)

Gene: CASP10 (caspase 10; plus strand). Cytogenetic location: 2q33.1.
Variant type: single nucleotide variant.
Coding change: c.258A>G on transcript NM_032977.4 (MANE Select); coding-DNA position 258, A replaced by G.
Protein change: p.Ile86Met; replaces isoleucine 86 with methionine.
Molecular consequence: missense variant.
Genome position (GRCh38, 1-based): chr2:201,186,035, A>G. VCF-style: chr2-201186035-A-G. GRCh37 (hg19) VCF-style: chr2-202050758-A-G.
Other names: c.258A>G (NM_032977.3); c.258A>G, p.Ile86Met (NM_001206524.2, NM_001206542.2, NM_001230.5 and 3 more transcripts); short protein forms I86M.
Identifiers: ClinVar variation 1014752 (VCV001014752.12), dbSNP rs1324259879, ClinGen allele CA350277927.